The following is an entry in ClinVar:

ClinVar aggregate classification (germline): Uncertain significance. Review status: criteria provided, single submitter (1 of 4 stars). 2 submissions from 2 submitters: Uncertain significance (1). 1 of the submissions does not count toward it. Last evaluated 2024-03-28.

Conditions:
TECTA-related disorder. Also called: TECTA-related condition.

Allele frequency attached by ClinVar (database versions not stated): gnomAD exomes below 0.00001; ExAC 0.00001; gnomAD 0.00001; TOPMed 0.00001.
gnomAD v4.1: 3 of 1,610,070 alleles (0.00019%); highest among the groups gnomAD compares: African/African-American, 0.004%; no homozygotes.

Submissions (2):

GeneDx
Classification: Uncertain significance. Last evaluated: 2024-03-28. Review status: criteria provided, single submitter. Criteria: GeneDx Variant Classification Process June 2021. Collection method: clinical testing. Allele origin: germline. Affected: yes.
Comment: Not observed at significant frequency in large population cohorts (gnomAD); In silico analysis supports that this missense variant does not alter protein structure/function; Has not been previously published as pathogenic or benign to our knowledge; This variant is associated with the following publications: (PMID: 21520338, 31554319, 9590290)

PreventionGenetics, part of Exact Sciences
Classification: Uncertain significance for TECTA-related condition. Last evaluated: 2023-12-19. Review status: no assertion criteria provided. Collection method: clinical testing. Allele origin: germline. Not counted in ClinVar's aggregate classification.
Comment: The TECTA c.2750A>G variant is predicted to result in the amino acid substitution p.Asp917Gly. To our knowledge, this variant has not been reported in the literature. This variant is reported in 0.0062% of alleles in individuals of African descent in gnomAD. At this time, the clinical significance of this variant is uncertain due to the absence of conclusive functional and genetic evidence.

NM_005422.4(TECTA):c.2750A>G (p.Asp917Gly)

Genes: TBCEL-TECTA (TBCEL-TECTA readthrough; plus strand), TECTA (tectorin alpha; plus strand), LOC126861365 (P300/CBP strongly-dependent group 1 enhancer GRCh37_chr11:121000154-121001353; plus strand). Cytogenetic location: 11q23.3.
Variant type: single nucleotide variant.
Coding change: c.2750A>G on transcript NM_005422.4 (MANE Select); coding-DNA position 2750, A replaced by G.
Protein change: p.Asp917Gly; replaces aspartic acid 917 with glycine.
Molecular consequence: missense variant.
Genome position (GRCh38, 1-based): chr11:121,130,020, A>G. VCF-style: chr11-121130020-A-G. GRCh37 (hg19) VCF-style: chr11-121000729-A-G.
Other names: c.3707A>G, p.Asp1236Gly (NM_001378761.1); short protein forms D1236G, D917G.
Identifiers: ClinVar variation 2630828 (VCV002630828.4), dbSNP rs749069103, ClinGen allele CA6327057.